The following is an entry in ClinVar:

ClinVar aggregate classification (germline): Uncertain significance (1 of 4 stars; one submission).

Conditions:
Frontotemporal dementia and/or amyotrophic lateral sclerosis 4. Also called: FTDALS4. Identifiers: Orphanet 275872, MedGen C4225325, MONDO:0014641, OMIM 616439.

Allele frequency attached by ClinVar (database versions not stated): gnomAD exomes below 0.00001.
gnomAD v4.1: 30 of 1,613,990 alleles (0.0019%); highest among the groups gnomAD compares: Non-Finnish European, 0.0025%; no homozygotes.

Submission:

Labcorp Genetics (formerly Invitae), Labcorp
Classification: Uncertain significance for Frontotemporal dementia and/or amyotrophic lateral sclerosis 4. Last evaluated: 2021-04-16. Review status: criteria provided, single submitter. Criteria: Invitae Variant Classification Sherloc (09022015). Collection method: clinical testing. Allele origin: germline.
Comment: This variant is not present in population databases (ExAC no frequency). This sequence change replaces serine with cysteine at codon 527 of the TBK1 protein (p.Ser527Cys). The serine residue is highly conserved and there is a moderate physicochemical difference between serine and cysteine. This variant has not been reported in the literature in individuals with TBK1-related conditions. In summary, the available evidence is currently insufficient to determine the role of this variant in disease. Therefore, it has been classified as a Variant of Uncertain Significance. Advanced modeling of protein sequence and biophysical properties (such as structural, functional, and spatial information, amino acid conservation, physicochemical variation, residue mobility, and thermodynamic stability) performed at Invitae indicates that this missense variant is not expected to disrupt TBK1 protein function.

NM_013254.4(TBK1):c.1580C>G (p.Ser527Cys)

Gene: TBK1 (TANK binding kinase 1; plus strand). Cytogenetic location: 12q14.2.
Variant type: single nucleotide variant.
Coding change: c.1580C>G on transcript NM_013254.4 (MANE Select); coding-DNA position 1580, C replaced by G.
Protein change: p.Ser527Cys; replaces serine 527 with cysteine.
Molecular consequence: missense variant.
Genome position (GRCh38, 1-based): chr12:64,495,541, C>G. VCF-style: chr12-64495541-C-G. GRCh37 (hg19) VCF-style: chr12-64889321-C-G.
Other names: short protein forms S527C.
Identifiers: ClinVar variation 1485780 (VCV001485780.8), dbSNP rs922333386, ClinGen allele CA385604234.
Genomic context (GRCh38, chr12:64,495,541, plus strand): 5'-AGCTTTCCAGTTCTCAGGGAACAATAGAAACCAGTCTTCAGGATATCGACAGCAGATTAT[C>G]TCCAGGTGGATCACTGGCAGACGCATGGGCACATCAAGAAGGCACTCATCCGAAAGACAG-3'
Protein context (NP_037386.1, residues 517-537): TSLQDIDSRL[Ser527Cys]PGGSLADAWA